The following is an entry in ClinVar:

ClinVar aggregate classification (germline): Uncertain significance (1 of 4 stars; one submission).

Conditions:
Werner syndrome (WRN). Identifiers: Orphanet 902, MedGen C0043119, MONDO:0010196, OMIM 277700.

Allele frequency attached by ClinVar (database versions not stated): gnomAD exomes below 0.00001 and 0.00001; gnomAD 0.00001; TOPMed 0.00001.
gnomAD v4.1: 6 of 1,613,650 alleles (0.00037%); highest among the groups gnomAD compares: Admixed American, 0.0033%; no homozygotes.

Submission:

Labcorp Genetics (formerly Invitae), Labcorp
Classification: Uncertain significance for Werner syndrome. Last evaluated: 2024-04-10. Review status: criteria provided, single submitter. Criteria: Invitae Variant Classification Sherloc (09022015). Collection method: clinical testing. Allele origin: germline.
Comment: This sequence change replaces asparagine, which is neutral and polar, with lysine, which is basic and polar, at codon 251 of the WRN protein (p.Asn251Lys). This variant is present in population databases (no rsID available, gnomAD 0.003%). This variant has not been reported in the literature in individuals affected with WRN-related conditions. ClinVar contains an entry for this variant (Variation ID: 935118). Algorithms developed to predict the effect of missense changes on protein structure and function output the following: SIFT: "Not Available"; PolyPhen-2: "Benign"; Align-GVGD: "Not Available". The lysine amino acid residue is found in multiple mammalian species, which suggests that this missense change does not adversely affect protein function. In summary, the available evidence is currently insufficient to determine the role of this variant in disease. Therefore, it has been classified as a Variant of Uncertain Significance.

NM_000553.6(WRN):c.753C>G (p.Asn251Lys)

Gene: WRN (WRN RecQ like helicase; plus strand). Cytogenetic location: 8p12.
Variant type: single nucleotide variant.
Coding change: c.753C>G on transcript NM_000553.6 (MANE Select); coding-DNA position 753, C replaced by G.
Protein change: p.Asn251Lys; replaces asparagine 251 with lysine.
Molecular consequence: missense variant.
Genome position (GRCh38, 1-based): chr8:31,076,201, C>G. VCF-style: chr8-31076201-C-G. GRCh37 (hg19) VCF-style: chr8-30933717-C-G.
Other names: short protein forms N251K.
Identifiers: ClinVar variation 935118 (VCV000935118.6), dbSNP rs1043742771, ClinGen allele CA174855399.